The following is an entry in ClinVar:

ClinVar aggregate classification (germline): Conflicting classifications of pathogenicity. Review status: criteria provided, conflicting classifications (1 of 4 stars). 4 submissions from 4 submitters: Uncertain significance (1); Likely benign (3). Last evaluated 2025-03-20.

Conditions:
Peutz-Jeghers syndrome (PJS). Also called: POLYPOSIS, HAMARTOMATOUS INTESTINAL; POLYPS-AND-SPOTS SYNDROME; Peutz-Jeghers polyposis; Periorificial lentiginosis syndrome. Identifiers: Orphanet 2869, MedGen C0031269, MeSH D010580, MONDO:0008280, OMIM 175200.
Hereditary cancer-predisposing syndrome. Also called: Tumor predisposition; Hereditary Cancer Syndrome; Neoplastic Syndromes, Hereditary; Hereditary neoplastic syndrome. Identifiers: Orphanet 140162, MedGen C0027672, MeSH D009386, MONDO:0015356.

Allele frequency attached by ClinVar (database versions not stated): ExAC below 0.00001; TOPMed below 0.00001; gnomAD exomes 0.00001 and 0.00002.
gnomAD v4.1: 9 of 1,577,206 alleles (0.00057%); highest among the groups gnomAD compares: South Asian, 0.0035%; no homozygotes.

Submissions (4):

Labcorp Genetics (formerly Invitae), Labcorp
Classification: Likely benign for Peutz-Jeghers syndrome. Last evaluated: 2025-03-20. Review status: criteria provided, single submitter. Criteria: Invitae Variant Classification Sherloc (09022015). Collection method: clinical testing. Allele origin: germline.

Molecular Diagnostics Laboratory, Catalan Institute of Oncology
Classification: Uncertain significance for Hereditary cancer-predisposing syndrome. Last evaluated: 2025-02-06. Review status: criteria provided, single submitter. Criteria: ACMG Guidelines, 2015. Collection method: clinical testing. Allele origin: germline.
Comment: BP4 STK11 c.375-8C>T, is an intronic variant located close to a canonical splice site. This variant is found in 2/24672, at a filtering allele frequency of 0.0006% in the gnomAD v2.1.1 database, South Asian non-cancer data set. SpliceAI algorithm predicts no significant impact on splicing (BP4). To our knowledge, functional studies have not been performed for this variant. In addition, the variant was also identified in the ClinVar database (2x likely benign) and in the LOVD database (1x likely benign). Based on currently available information, the variant c.375-8C>T is classified as an uncertain significance variant according to ACMG guidelines.

All of Us Research Program, National Institutes of Health
Classification: Likely benign for Peutz-Jeghers syndrome. Last evaluated: 2024-02-05. Review status: criteria provided, single submitter. Criteria: ACMG Guidelines, 2015. Collection method: clinical testing. Allele origin: germline. Inheritance: Autosomal dominant inheritance. Observed: 2 variant alleles, 2 heterozygotes.
Comment: This study involves interpretation of variants in research participants for the purpose of population health screening. Participant phenotype was not available at the time of variant classification. Additional details can be found in publication PMID: 35346344, PMCID: PMC8962531

Color Diagnostics, LLC DBA Color Health
Classification: Likely benign for Hereditary cancer-predisposing syndrome. Last evaluated: 2023-01-12. Review status: criteria provided, single submitter. Criteria: ACMG Guidelines, 2015. Collection method: clinical testing. Allele origin: germline.

NM_000455.5(STK11):c.375-8C>T

Gene: STK11 (serine/threonine kinase 11; plus strand). Cytogenetic location: 19p13.3.
Variant type: single nucleotide variant.
Coding change: c.375-8C>T on transcript NM_000455.5 (MANE Select); 8 bases into the intron before coding-DNA position 375, C replaced by T.
Molecular consequence: intron variant.
Genome position (GRCh38, 1-based): chr19:1,219,316, C>T. VCF-style: chr19-1219316-C-T. GRCh37 (hg19) VCF-style: chr19-1219315-C-T.
Identifiers: ClinVar variation 763667 (VCV000763667.12), dbSNP rs528370544, ClinGen allele CA047451.
Genomic context (GRCh38, chr19:1,219,316, plus strand): 5'-CTGGCCCCCGTGCTCCCTGGGCCTGTGAGTGGGGCCGCCCCCTGAGCTGTGTGTCCTTAG[C>T]GCCCCACGTATATGGTGATGGAGTACTGCGTGTGTGGCATGCAGGAAATGCTGGACAGCG-3'